The following is an entry in ClinVar:

NM_000152.5(GAA):c.1754+2T>A

Gene: GAA (alpha glucosidase; plus strand). Cytogenetic location: 17q25.3.
Variant type: single nucleotide variant.
Coding change: c.1754+2T>A on transcript NM_000152.5 (MANE Select); the canonical splice donor site of the intron after coding-DNA position 1754, T replaced by A.
Molecular consequence: splice donor variant.
Genome position (GRCh38, 1-based): chr17:80,112,102, T>A. VCF-style: chr17-80112102-T-A. GRCh37 (hg19) VCF-style: chr17-78085901-T-A.
Other names: c.1754+2T>A (NM_001406741.1, NM_001406742.1, NM_001079803.3 and 1 more transcripts).
Identifiers: ClinVar variation 2736680 (VCV002736680.4), dbSNP rs2143884018, ClinGen allele CA401369200.

ClinVar aggregate classification (germline): Pathogenic. Review status: reviewed by expert panel (3 of 4 stars). 3 submissions from 3 submitters: Pathogenic (1). 2 of the submissions do not count toward it. Last evaluated 2026-01-16.

Conditions:
Glycogen storage disease, type II (IOPD). Also called: CARDIOMEGALIA GLYCOGENICA DIFFUSA; GLYCOGENOSIS, GENERALIZED, CARDIAC FORM; GSD II; Glycogen storage disease type 2; Acid maltase deficiency disease; Aglucosidase alfa. Identifiers: Orphanet 365, MedGen C0017921, MONDO:0009290, OMIM 232300.

Submissions (3):

ClinGen Lysosomal Storage Disorder Variant Curation Expert Panel
Classification: Pathogenic for Glycogen storage disease, type II. Last evaluated: 2026-01-16. Review status: reviewed by expert panel. Criteria: clingen_lsd_acmg_specifications_v2-1. Collection method: curation. Allele origin: germline. Inheritance: Autosomal recessive inheritance.
Comment: The NM_000152.5:c.1754+2T>A variant in GAA occurs within the canonical splice donor site of intron 12. It is predicted to cause skipping of biologically-relevant-exon 12/20, resulting in a frameshift leading to nonsense mediated decay in a gene in which loss-of-function is an established disease mechanism (PVS1). This individual is compound heterozygous, phase unknown, for the variant and a variant c.1822C>T (p.Arg608Ter) that is classified as pathogenic by the ClinGen LD VCEP (PMID: 26693141)(PM3_Supporting). The c.1754+2T>A variant is absent in gnomAD v4.1.0 (PM2_Supporting). There is a ClinVar entry for this variant (Variation ID: 2736680, 1 star review status) with 1 submitter classifying as pathogenic. In summary, this variant meets the criteria to be classified as pathogenic for Pompe disease. GAA-specific ACMG/AMP criteria met, as specified by the ClinGen Lysosomal Diseases Variant Curation Expert Panel (Specifications Version 2.0.0): PVS1, PP4, PM3_Supporting, PM2_Supporting.

Genomenon, Inc
Classification: Pathogenic for Glycogen storage disease, type II. Last evaluated: 2026-07-01. Review status: criteria provided, single submitter. Criteria: Genomenon Sequence Variant Interpretation Standards - Updated. Collection method: curation. Allele origin: germline. Affected: yes. Not counted in ClinVar's aggregate classification.
Comment: GAA c.1754+2T>A is a canonical splice variant affecting the donor splice site of intron 12. It is predicted to affect mRNA splicing, leading to a deleterious effect on the GAA protein. This variant has been observed in at least one proband with a GAA-related disorder (PMID:28814660). It is absent or not present at a significant frequency in gnomAD. In conclusion, we classify GAA c.1754+2T>A as a pathogenic variant.

Labcorp Genetics (formerly Invitae), Labcorp
Classification: Pathogenic for Glycogen storage disease, type II. Last evaluated: 2023-12-28. Review status: criteria provided, single submitter. Criteria: Invitae Variant Classification Sherloc (09022015). Collection method: clinical testing. Allele origin: germline. Not counted in ClinVar's aggregate classification.
Comment: This sequence change affects a donor splice site in intron 12 of the GAA gene. It is expected to disrupt RNA splicing. Variants that disrupt the donor or acceptor splice site typically lead to a loss of protein function (PMID: 16199547), and loss-of-function variants in GAA are known to be pathogenic (PMID: 18425781, 22252923). This variant is not present in population databases (gnomAD no frequency). Disruption of this splice site has been observed in individual(s) with Pompe disease (PMID: 19775921, 22252923). In at least one individual the data is consistent with being in trans (on the opposite chromosome) from a pathogenic variant. Algorithms developed to predict the effect of sequence changes on RNA splicing suggest that this variant may disrupt the consensus splice site. For these reasons, this variant has been classified as Pathogenic.

Literature cited by the submitters: PubMed 28814660 (cited by Genomenon, Inc); PubMed 16199547 (cited by Labcorp Genetics (formerly Invitae), Labcorp); PubMed 18425781 (cited by Labcorp Genetics (formerly Invitae), Labcorp); PubMed 22252923 (cited by Labcorp Genetics (formerly Invitae), Labcorp); PubMed 19775921 (cited by Labcorp Genetics (formerly Invitae), Labcorp).